The following is an entry in ClinVar:

ClinVar aggregate classification (germline): Conflicting classifications of pathogenicity. Review status: criteria provided, conflicting classifications (1 of 4 stars). 5 submissions from 5 submitters: Likely pathogenic (2); Uncertain significance (3). Last evaluated 2025-09-15.

Conditions:
ERCC2-related disorder. Also called: ERCC2-related disorders; ERCC2-related conditions; ERCC2-related condition. Identifiers: MedGen CN239291.

Allele frequency attached by ClinVar (database versions not stated): TOPMed 0.00002; ExAC 0.00003; gnomAD 0.00004 and 0.00005; gnomAD exomes 0.00004; 1000 Genomes Project 30x 0.00016; 1000 Genomes Project 0.00020.

Submissions (5):

3billion
Classification: Uncertain significance for ERCC2-related disorder. Last evaluated: 2025-09-15. Review status: criteria provided, single submitter. Criteria: ACMG Guidelines, 2015. Collection method: clinical testing. Allele origin: germline. Affected: yes.
Comment: The variant is observed at an extremely low frequency in the gnomAD v4.1.0 dataset (total allele frequency: 0.004%). Predicted Consequence/Location: Missense variant. The majority of the known disease-causing variants of this gene are variants expected to result in premature termination of the protein. In silico tool predictions suggest damaging effect of the variant on gene or gene product [REVEL: 0.77 (>=0.6, sensitivity 0.68 and specificity 0.92)]. A different missense change at the same codon (p.Arg487Gly) has been reported to be associated with ERCC2-related disorder (PMID: 11156600). However the evidence of pathogenicity is insufficient at this time. Therefore, this variant is classified as VUS according to the recommendation of ACMG/AMP guideline.

Division of Genetic & Genomic Pathology, Hong Kong Children's Hospital
Classification: Likely pathogenic for ERCC2-related disorder. Last evaluated: 2025-04-08. Review status: criteria provided, single submitter. Criteria: ACMG Guidelines, 2015. Collection method: clinical testing. Allele origin: germline. Affected: yes.
Comment: The missense variant ERCC2 c.1459C>T p.(Arg487Trp) is located in exon 15 of the gene. It is present in population exomes and genomes at a low frequency (gnomAD v4.1.0: total 72 alleles; highest minor allele frequency of 0.0007185 in Finnish). In vitro host cell reactivation assay demonstrated that this variant had negative impact on protein function (PMID: 27504877). In silico prediction using REVEL predicted that this variant is deleterious at moderate level (REVEL score 0.733). It has been reported in compound heterozygous state with a truncating ERCC2 variant in a patient with trichothiodystrophy (PMID: 33687104). For these reasons, ERCC2 c.1459C>T p.(Arg487Trp) is classified as likely pathogenic. This variant is in trans with another likely pathogenic splice-site variant.

Center for Genomic Medicine, Rigshospitalet, Copenhagen University Hospital
Classification: Likely pathogenic. Last evaluated: 2025-03-04. Review status: criteria provided, single submitter. Criteria: ACMG Guidelines, 2015. Collection method: clinical testing. Allele origin: germline.

Labcorp Genetics (formerly Invitae), Labcorp
Classification: Uncertain significance. Last evaluated: 2024-10-30. Review status: criteria provided, single submitter. Criteria: Invitae Variant Classification Sherloc (09022015). Collection method: clinical testing. Allele origin: germline.
Comment: This sequence change replaces arginine, which is basic and polar, with tryptophan, which is neutral and slightly polar, at codon 487 of the ERCC2 protein (p.Arg487Trp). This variant is present in population databases (rs562132292, gnomAD 0.05%). This missense change has been observed in individual(s) with trichothiodystrophy (PMID: 33687104). ClinVar contains an entry for this variant (Variation ID: 872132). Invitae Evidence Modeling of protein sequence and biophysical properties (such as structural, functional, and spatial information, amino acid conservation, physicochemical variation, residue mobility, and thermodynamic stability) indicates that this missense variant is expected to disrupt ERCC2 protein function with a positive predictive value of 80%. In summary, the available evidence is currently insufficient to determine the role of this variant in disease. Therefore, it has been classified as a Variant of Uncertain Significance.

CeGaT Center for Human Genetics Tuebingen
Classification: Uncertain significance. Last evaluated: 2019-10-01. Review status: criteria provided, single submitter. Criteria: CeGaT Center For Human Genetics Tuebingen Variant Classification Criteria Version 2. Collection method: clinical testing. Allele origin: germline. Affected: yes. Observed: 3 variant alleles.

Literature cited by the submitters: PubMed 11156600 (cited by 3billion); PubMed 27504877 (cited by Division of Genetic & Genomic Pathology, Hong Kong Children's Hospital and Center for Genomic Medicine, Rigshospitalet, Copenhagen University Hospital); PubMed 33687104 (cited by 3 submitters).

NM_000400.4(ERCC2):c.1459C>T (p.Arg487Trp)

Gene: ERCC2 (ERCC excision repair 2, TFIIH core complex helicase subunit; minus strand). Cytogenetic location: 19q13.32.
Variant type: single nucleotide variant.
Coding change: c.1459C>T on transcript NM_000400.4 (MANE Select); coding-DNA position 1459, C replaced by T.
Protein change: p.Arg487Trp; replaces arginine 487 with tryptophan.
Molecular consequence: missense variant.
Genome position (GRCh38, 1-based): chr19:45,357,290, G>A on the plus strand (C>T on the coding strand, the complement: ERCC2 is on the minus strand). VCF-style: chr19-45357290-G-A. GRCh37 (hg19) VCF-style: chr19-45860548-G-A.
Other names: short protein forms R487W.
Identifiers: ClinVar variation 872132 (VCV000872132.48), dbSNP rs562132292, ClinGen allele CA9513287.